The following is an entry in ClinVar:

ClinVar aggregate classification (germline): Pathogenic. Review status: criteria provided, multiple submitters, no conflicts (2 of 4 stars). 6 submissions from 6 submitters: Pathogenic (4). 2 of the submissions do not count toward it. Last evaluated 2025-05-15.

Conditions:
MAST1-related disorder. Also called: MAST1-related condition.
Mega-corpus-callosum syndrome with cerebellar hypoplasia and cortical malformations. Identifiers: MedGen C4748927, MONDO:0032648, OMIM 618273.

Submissions (6):

GeneDx
Classification: Pathogenic. Last evaluated: 2025-05-15. Review status: criteria provided, single submitter. Criteria: GeneDx Variant Classification Process June 2021. Collection method: clinical testing. Allele origin: germline. Affected: yes.
Comment: In silico analysis supports that this missense variant has a deleterious effect on protein structure/function; Not observed at significant frequency in large population cohorts (gnomAD); This variant is associated with the following publications: (PMID: 30842224, 30449657, 32901917, 33057194, 35982159, 35719373, 37758169, 32198973)

Labcorp Genetics (formerly Invitae), Labcorp
Classification: Pathogenic. Last evaluated: 2024-03-02. Review status: criteria provided, single submitter. Criteria: Invitae Variant Classification Sherloc (09022015). Collection method: clinical testing. Allele origin: germline.
Comment: This sequence change replaces glycine, which is neutral and non-polar, with serine, which is neutral and polar, at codon 517 of the MAST1 protein (p.Gly517Ser). This variant is not present in population databases (gnomAD no frequency). This missense change has been observed in individual(s) with mega-corpus-callosum syndrome with cerebellar hypoplasia and cortical malformations (MCCCHCM) (PMID: 30449657, 32901917). In at least one individual the variant was observed to be de novo. ClinVar contains an entry for this variant (Variation ID: 599361). An algorithm developed to predict the effect of missense changes on protein structure and function (PolyPhen-2) suggests that this variant is likely to be disruptive. For these reasons, this variant has been classified as Pathogenic.

Duke University Health System Sequencing Clinic, Duke University Health System
Classification: Pathogenic for Mega-corpus-callosum syndrome with cerebellar hypoplasia and cortical malformations. Last evaluated: 2023-04-20. Review status: criteria provided, single submitter. Criteria: ACMG Guidelines, 2015. Collection method: research. Allele origin: de novo. Affected: yes.

3billion
Classification: Pathogenic for Mega-corpus-callosum syndrome with cerebellar hypoplasia and cortical malformations. Last evaluated: 2021-10-02. Review status: criteria provided, single submitter. Criteria: ACMG Guidelines, 2015. Collection method: clinical testing. Allele origin: germline. Affected: yes. Observed: 1 heterozygote.
Comment: Same nucleotide change resulting in same amino acid change has been previously reported as de novoo and observed in at least two similarly affected unrelated individuals (ClinVar ID: VCV000599361.3, PMID: 30449657, PS2 and PS4_M). It is not observed in the gnomAD v2.1.1 dataset (PM2). The variant was observed as assumed (i.e. paternity and maternity not confirmed) de novoo (3billion dataset, PM6). In silico tool predictions suggest damaging effect of the variant on gene or gene product (REVEL: 0.822, 3Cnet: 0.994, PP3). Patient's phenotype is considered compatible with Mega-corpus-callosum syndrome with cerebellar hypoplasia and cortical malformations (3billion dataset, PP4). Therefore, this variant is classified as pathogenic according to the recommendation of ACMG/AMP guideline.

PreventionGenetics, part of Exact Sciences
Classification: Pathogenic for MAST1-related condition. Last evaluated: 2024-02-06. Review status: no assertion criteria provided. Collection method: clinical testing. Allele origin: germline. Not counted in ClinVar's aggregate classification.
Comment: The MAST1 c.1549G>A variant is predicted to result in the amino acid substitution p.Gly517Ser. This variant has been reported in the de novo state in individuals with Mega-corpus-callosum syndrome with cerebellar hypoplasia and cortical malformations (Tripathy et al. 2018. PubMed ID: 30449657; Seo et al. 2020. PubMed ID: 32901917. Supplementary 2). This variant has also been reported in the de novo state in a patient with atypical Rett syndrome (Iwama et al. 2019. PubMed ID: 30842224). This variant has not been reported in a large population database, indicating this variant is rare. This variant is interpreted as pathogenic.

OMIM
Classification: Pathogenic for MEGA-CORPUS-CALLOSUM SYNDROME WITH CEREBELLAR HYPOPLASIA AND CORTICAL MALFORMATIONS. Last evaluated: 2019-01-10. Review status: no assertion criteria provided. Collection method: literature only. Allele origin: germline. Not counted in ClinVar's aggregate classification.

Literature cited by the submitters: PubMed 30449657 (cited by 3 submitters); PubMed 32901917 (cited by Labcorp Genetics (formerly Invitae), Labcorp).

NM_014975.3(MAST1):c.1549G>A (p.Gly517Ser)

Gene: MAST1 (microtubule associated serine/threonine kinase 1; plus strand). Cytogenetic location: 19p13.13.
Variant type: single nucleotide variant.
Coding change: c.1549G>A on transcript NM_014975.3 (MANE Select); coding-DNA position 1549, G replaced by A.
Protein change: p.Gly517Ser; replaces glycine 517 with serine.
Molecular consequence: missense variant.
Genome position (GRCh38, 1-based): chr19:12,865,089, G>A. VCF-style: chr19-12865089-G-A. GRCh37 (hg19) VCF-style: chr19-12975903-G-A.
Other names: short protein forms G517S.
Identifiers: ClinVar variation 599361 (VCV000599361.12), dbSNP rs1568413207, ClinGen allele CA404271991.